The following is an entry in ClinVar:

ClinVar aggregate classification (germline): Likely benign. Review status: criteria provided, multiple submitters, no conflicts (2 of 4 stars). 9 submissions from 9 submitters: Likely benign (9). Last evaluated 2025-12-02.

Conditions:
Familial thoracic aortic aneurysm and aortic dissection (TAAD). Also called: Thoracic aortic aneurysms and dissections. Identifiers: Orphanet 91387, MedGen C4707243, MONDO:0019625.
Marfan syndrome (MFS). Also called: FBN1-Related Marfan Syndrome; Marfan syndrome type 1; Marfan's syndrome; Marfan syndrome, classic; MARFAN SYNDROME, TYPE I. Identifiers: Orphanet 284963, Orphanet 558, MedGen C0024796, MONDO:0007947, OMIM 154700.
FBN1-related disorder. Also called: FBN1-related disorders.

Allele frequency attached by ClinVar (database versions not stated): gnomAD exomes 0.00007 and 0.00009; ESP Exome Variant Server 0.00008; gnomAD 0.00004 and 0.00003; TOPMed 0.00006; ExAC 0.00007.
gnomAD v4.1: 127 of 1,610,682 alleles (0.0079%); highest among the groups gnomAD compares: Non-Finnish European, 0.01%; no homozygotes.

Submissions (9):

Labcorp Genetics (formerly Invitae), Labcorp
Classification: Likely benign for Marfan syndrome; Familial thoracic aortic aneurysm and aortic dissection. Last evaluated: 2025-12-02. Review status: criteria provided, single submitter. Criteria: Invitae Variant Classification Sherloc (09022015). Collection method: clinical testing. Allele origin: germline.

PreventionGenetics, part of Exact Sciences
Classification: Likely benign for FBN1-related condition. Last evaluated: 2025-08-28. Review status: criteria provided, single submitter. Criteria: ACMG Guidelines, 2015. Collection method: clinical testing. Allele origin: germline.
Comment: This variant is classified as likely benign based on ACMG/AMP sequence variant interpretation guidelines (Richards et al. 2015 PMID: 25741868, with internal and published modifications).

All of Us Research Program, National Institutes of Health
Classification: Likely benign for Marfan syndrome. Last evaluated: 2023-12-01. Review status: criteria provided, single submitter. Criteria: ACMG Guidelines, 2015. Collection method: clinical testing. Allele origin: germline. Inheritance: Autosomal dominant inheritance. Observed: 9 variant alleles, 9 heterozygotes.
Comment: This study involves interpretation of variants in research participants for the purpose of population health screening. Participant phenotype was not available at the time of variant classification. Additional details can be found in publication PMID: 35346344, PMCID: PMC8962531

Ambry Genetics
Classification: Likely benign for Familial thoracic aortic aneurysm and aortic dissection. Last evaluated: 2023-05-30. Review status: criteria provided, single submitter. Criteria: Ambry Variant Classification Scheme 2023. Collection method: clinical testing. Allele origin: germline.

Blueprint Genetics
Classification: Likely benign. Last evaluated: 2022-06-29. Review status: criteria provided, single submitter. Criteria: ACMG Guidelines, 2015. Collection method: clinical testing. Allele origin: germline.

ARUP Laboratories, Molecular Genetics and Genomics, ARUP Laboratories
Classification: Likely benign. Last evaluated: 2021-02-06. Review status: criteria provided, single submitter. Criteria: ARUP Molecular Germline Variant Investigation Process 2021. Collection method: clinical testing. Allele origin: germline.

GeneDx
Classification: Likely benign. Last evaluated: 2020-11-11. Review status: criteria provided, single submitter. Criteria: GeneDx Variant Classification Process June 2021. Collection method: clinical testing. Allele origin: germline. Affected: yes.

Color Diagnostics, LLC DBA Color Health
Classification: Likely benign for Familial thoracic aortic aneurysm and aortic dissection. Last evaluated: 2018-11-03. Review status: criteria provided, single submitter. Criteria: ACMG Guidelines, 2015. Collection method: clinical testing. Allele origin: germline.

Women's Health and Genetics/Laboratory Corporation of America, LabCorp
Classification: Likely benign. Last evaluated: 2018-09-04. Review status: criteria provided, single submitter. Criteria: LabCorp Variant Classification Summary - May 2015. Collection method: clinical testing. Allele origin: germline.
Comment: Variant summary: FBN1 c.7230C>T alters a non-conserved nucleotide resulting in a synonymous change. 5/5 computational tools predict no significant impact on normal splicing. However, these predictions have yet to be confirmed by functional studies. The variant allele was found at a frequency of 7.3e-05 in 245938 control chromosomes, predominantly within the European (Non-Finnish) subpopulation at a frequency of 0.00013 in the gnomAD database. The observed variant frequency within European (Non-Finnish) control individuals in the gnomAD database is approximately 1.16 fold of the estimated maximal expected allele frequency for a pathogenic variant in FBN1 causing Marfan Syndrome phenotype (0.00011), suggesting that the variant is a benign polymorphism. To our knowledge, no occurrence of c.7230C>T in individuals affected with Marfan Syndrome and no experimental evidence demonstrating its impact on protein function have been reported. A ClinVar submission from another clinical diagnostic laboratory (evaluation after 2014) cites the variant as likely benign. Based on the evidence outlined above, the variant was classified as likely benign.

NM_000138.5(FBN1):c.7230C>T (p.His2410=)

Gene: FBN1 (fibrillin 1; minus strand). Cytogenetic location: 15q21.1.
Variant type: single nucleotide variant.
Coding change: c.7230C>T on transcript NM_000138.5 (MANE Select); coding-DNA position 7230, C replaced by T.
Protein change: p.His2410=; no amino-acid change (histidine 2410 retained).
Molecular consequence: synonymous variant.
Genome position (GRCh38, 1-based): chr15:48,425,839, G>A on the plus strand (C>T on the coding strand, the complement: FBN1 is on the minus strand). VCF-style: chr15-48425839-G-A. GRCh37 (hg19) VCF-style: chr15-48718036-G-A.
Identifiers: ClinVar variation 36113 (VCV000036113.29), dbSNP rs193922231, ClinGen allele CA017119.